The following is an entry in ClinVar:

NM_001042424.3(NSD2):c.1148C>G (p.Ala383Gly)

Gene: NSD2 (nuclear receptor binding SET domain protein 2; plus strand). Cytogenetic location: 4p16.3.
Variant type: single nucleotide variant.
Coding change: c.1148C>G on transcript NM_001042424.3 (MANE Select); coding-DNA position 1148, C replaced by G.
Protein change: p.Ala383Gly; replaces alanine 383 with glycine.
Molecular consequence: missense variant.
Genome position (GRCh38, 1-based): chr4:1,918,361, C>G. VCF-style: chr4-1918361-C-G. GRCh37 (hg19) VCF-style: chr4-1920088-C-G.
Other names: c.1148C>G, p.Ala383Gly (NM_007331.2, NM_133330.3, NM_133331.3 and 2 more transcripts); short protein forms A383G.
Identifiers: ClinVar variation 1945263 (VCV001945263.6), dbSNP rs1401905410, ClinGen allele CA356005918.

ClinVar aggregate classification (germline): Uncertain significance. Review status: criteria provided, multiple submitters, no conflicts (2 of 4 stars). 2 submissions from 2 submitters: Uncertain significance (2). Last evaluated 2024-12-16.

Conditions:
Inborn genetic diseases. Identifiers: MedGen C0950123, MeSH D030342.

Allele frequency attached by ClinVar (database versions not stated): gnomAD 0.00001; gnomAD exomes 0.00001; TOPMed 0.00001.
gnomAD v4.1: 6 of 1,614,002 alleles (0.00037%); highest among the groups gnomAD compares: Non-Finnish European, 0.00042%; no homozygotes.

Submissions (2):

Ambry Genetics
Classification: Uncertain significance for Inborn genetic diseases. Last evaluated: 2024-12-16. Review status: criteria provided, single submitter. Criteria: Ambry Variant Classification Scheme 2023. Collection method: clinical testing. Allele origin: germline.

Labcorp Genetics (formerly Invitae), Labcorp
Classification: Uncertain significance. Last evaluated: 2023-08-24. Review status: criteria provided, single submitter. Criteria: Invitae Variant Classification Sherloc (09022015). Collection method: clinical testing. Allele origin: germline.
Comment: This sequence change replaces alanine, which is neutral and non-polar, with glycine, which is neutral and non-polar, at codon 383 of the WHSC1 protein (p.Ala383Gly). This variant is present in population databases (no rsID available, gnomAD 0.002%). This variant has not been reported in the literature in individuals affected with WHSC1-related conditions. ClinVar contains an entry for this variant (Variation ID: 1945263). An algorithm developed to predict the effect of missense changes on protein structure and function (PolyPhen-2) suggests that this variant is likely to be tolerated. In summary, the available evidence is currently insufficient to determine the role of this variant in disease. Therefore, it has been classified as a Variant of Uncertain Significance.